The following is an entry in ClinVar:

ClinVar aggregate classification (germline): Likely pathogenic (1 of 4 stars; one submission).

Conditions:
Beck-Fahrner syndrome (BEFAHRS). Identifiers: Orphanet 684216, MedGen C5394097, MONDO:0032922, OMIM 618798.

Submission:

Institute of Human Genetics, Clinical Exome/Genome Diagnostics Group, University Hospital Bonn
Classification: Likely pathogenic for Beck-Fahrner syndrome. Review status: criteria provided, single submitter. Criteria: ACMG Guidelines, 2015. Collection method: clinical testing. Allele origin: germline. Affected: yes. Observed: 1 heterozygote.
Comment: PVS1, PM2_supporting

NM_001287491.2(TET3):c.2737_2738del (p.Gly913fs)

Gene: TET3 (tet methylcytosine dioxygenase 3; plus strand). Cytogenetic location: 2p13.1.
Variant type: Deletion.
Coding change: c.2737_2738del on transcript NM_001287491.2 (MANE Select); coding-DNA positions 2737 to 2738, 2 bases deleted (GG; older notation c.2737_2738delGG).
Protein change: p.Gly913fs; shifts the reading frame from glycine 913.
Molecular consequence: frameshift variant.
Genome position (GRCh38, 1-based): chr2:74,087,887-74,087,888, GG deleted. VCF-style (leftmost placement, unchanged base first): chr2-74087886-AGG-A. GRCh37 (hg19) VCF-style: chr2-74315013-AGG-A.
Other names: c.2458_2459del, p.Gly820fs (NM_001366022.1); short protein forms G820fs, G913fs.
Identifiers: ClinVar variation 3776756 (VCV003776756.1).